The following is an entry in ClinVar:

ClinVar aggregate classification (germline): Pathogenic. Review status: criteria provided, multiple submitters, no conflicts (2 of 4 stars). 2 submissions from 2 submitters: Pathogenic (2). Last evaluated 2024-08-01.

Conditions:
Congenital adrenal hyperplasia. Identifiers: Orphanet 418, MedGen C0001627, MONDO:0018479, HP:0008258.

Allele frequency attached by ClinVar (database versions not stated): ExAC 0.00001; gnomAD exomes 0.00001.
gnomAD v4.1: 4 of 1,614,170 alleles (0.00025%); highest among the groups gnomAD compares: African/African-American, 0.0013%; no homozygotes.

Submissions (2):

Women's Health and Genetics/Laboratory Corporation of America, LabCorp
Classification: Pathogenic for Congenital adrenal hyperplasia. Last evaluated: 2024-08-01. Review status: criteria provided, single submitter. Criteria: LabCorp Variant Classification Summary - May 2015. Collection method: clinical testing. Allele origin: germline.
Comment: Variant summary: CYP11B1 c.348G>C (p.Trp116Cys) results in a non-conservative amino acid change in the encoded protein sequence. Five of five in-silico tools predict a damaging effect of the variant on protein function. The variant allele was found at a frequency of 8e-06 in 251432 control chromosomes. c.348G>C has been reported in the literature in homozygous individuals affected with Congenital Adrenal Hyperplasia due to 11-hydroxylase deficiency (e.g. Krone_2006, Janzen_2012). These data indicate that the variant is likely to be associated with disease. At least one publication reports experimental evidence evaluating an impact on protein function. The most pronounced variant effect results in <10% of normal enzyme activity (e.g. Krone_2006). The following publications have been ascertained in the context of this evaluation (PMID: 15755848, 22508345). ClinVar contains an entry for this variant (Variation ID: 1458049). Based on the evidence outlined above, the variant was classified as pathogenic.

Labcorp Genetics (formerly Invitae), Labcorp
Classification: Pathogenic. Last evaluated: 2023-06-28. Review status: criteria provided, single submitter. Criteria: Invitae Variant Classification Sherloc (09022015). Collection method: clinical testing. Allele origin: germline.
Comment: For these reasons, this variant has been classified as Pathogenic. Experimental studies have shown that this missense change affects CYP11B1 function (PMID: 15755848). Advanced modeling of protein sequence and biophysical properties (such as structural, functional, and spatial information, amino acid conservation, physicochemical variation, residue mobility, and thermodynamic stability) performed at Invitae indicates that this missense variant is expected to disrupt CYP11B1 protein function. ClinVar contains an entry for this variant (Variation ID: 1458049). This missense change has been observed in individuals with congenital adrenal hyperplasia (PMID: 15755848, 18204274, 28228528). It has also been observed to segregate with disease in related individuals. This variant is present in population databases (rs772003869, gnomAD 0.003%). This sequence change replaces tryptophan, which is neutral and slightly polar, with cysteine, which is neutral and slightly polar, at codon 116 of the CYP11B1 protein (p.Trp116Cys).

Literature cited by the submitters: PubMed 15755848 (cited by Women's Health and Genetics/Laboratory Corporation of America, LabCorp and Labcorp Genetics (formerly Invitae), Labcorp); PubMed 22508345 (cited by Women's Health and Genetics/Laboratory Corporation of America, LabCorp); PubMed 18204274 (cited by Labcorp Genetics (formerly Invitae), Labcorp); PubMed 28228528 (cited by Labcorp Genetics (formerly Invitae), Labcorp).

NM_000497.4(CYP11B1):c.348G>C (p.Trp116Cys)

Gene: CYP11B1 (cytochrome P450 family 11 subfamily B member 1; minus strand). Cytogenetic location: 8q24.3.
Variant type: single nucleotide variant.
Coding change: c.348G>C on transcript NM_000497.4 (MANE Select); coding-DNA position 348, G replaced by C.
Protein change: p.Trp116Cys; replaces tryptophan 116 with cysteine.
Molecular consequence: missense variant.
Genome position (GRCh38, 1-based): chr8:142,879,079, C>G on the plus strand (G>C on the coding strand, the complement: CYP11B1 is on the minus strand). VCF-style: chr8-142879079-C-G. GRCh37 (hg19) VCF-style: chr8-143960495-C-G.
Other names: c.348G>C, p.Trp116Cys (NM_001026213.1); short protein forms W116C.
Identifiers: ClinVar variation 1458049 (VCV001458049.9), dbSNP rs772003869, ClinGen allele CA4905550.
Genomic context (GRCh38, chr8:142,879,079, plus strand): 5'-GCTCGCCGCTTACAGCAAGAACACGCCACATTTGTGCCCACGATGTTGTCTGTAGGCCAC[C>G]CAGGGCTCCAGGCTCATCCTGTGGGGATGCAGGCTGTCCACCTGTTGCAGCTTCTCCACG-3'
Protein context (NP_000488.3, residues 106-126): LHPHRMSLEP[Trp116Cys]VAYRQHRGHK